The following is an entry in ClinVar:

ClinVar aggregate classification (germline): Uncertain significance (0 of 4 stars; one submission).

Conditions:
NRAP-related disorder. Also called: NRAP-related condition.

Submission:

PreventionGenetics, part of Exact Sciences
Classification: Uncertain significance for NRAP-related condition. Last evaluated: 2024-08-14. Review status: no assertion criteria provided. Collection method: clinical testing. Allele origin: germline.
Comment: The NRAP c.1184A>C variant is predicted to result in the amino acid substitution p.Asn395Thr. To our knowledge, this variant has not been reported in the literature or in a large population database, indicating this variant is rare. At this time, the clinical significance of this variant is uncertain due to the absence of conclusive functional and genetic evidence.

NM_198060.4(NRAP):c.1184A>C (p.Asn395Thr)

Gene: NRAP (nebulin related anchoring protein; minus strand). Cytogenetic location: 10q25.3.
Variant type: single nucleotide variant.
Coding change: c.1184A>C on transcript NM_198060.4 (MANE Select); coding-DNA position 1184, A replaced by C.
Protein change: p.Asn395Thr; replaces asparagine 395 with threonine.
Molecular consequence: missense variant. On other transcripts: intron variant (1).
Genome position (GRCh38, 1-based): chr10:113,642,965, T>G on the plus strand (A>C on the coding strand, the complement: NRAP is on the minus strand). VCF-style: chr10-113642965-T-G. GRCh37 (hg19) VCF-style: chr10-115402724-T-G.
Other names: c.1184A>C, p.Asn395Thr (NM_001261463.2, NM_001322945.2); c.1111-1493A>C (NM_006175.5); short protein forms N395T.
Identifiers: ClinVar variation 3345869 (VCV003345869.1).